The following is an entry in ClinVar:

NM_018979.4(WNK1):c.4270A>G (p.Ile1424Val)

Gene: WNK1 (WNK lysine deficient protein kinase 1; plus strand). Cytogenetic location: 12p13.33.
Variant type: single nucleotide variant.
Coding change: c.4270A>G on transcript NM_018979.4 (MANE Select); coding-DNA position 4270, A replaced by G.
Protein change: p.Ile1424Val; replaces isoleucine 1424 with valine.
Molecular consequence: missense variant.
Genome position (GRCh38, 1-based): chr12:885,074, A>G. VCF-style: chr12-885074-A-G. GRCh37 (hg19) VCF-style: chr12-994240-A-G.
Other names: c.5050A>G, p.Ile1684Val (NM_001184985.2); c.3529A>G, p.Ile1177Val (NM_014823.3); c.5026A>G, p.Ile1676Val (NM_213655.5); c.5026A>G (NM_213655.4); short protein forms I1424V, I1676V, I1177V, I1684V.
Identifiers: ClinVar variation 310826 (VCV000310826.14), dbSNP rs752331641, ClinGen allele CA6382946.

ClinVar aggregate classification (germline): Benign/Likely benign. Review status: criteria provided, multiple submitters, no conflicts (2 of 4 stars). 3 submissions from 3 submitters: Benign (2); Likely benign (1). Last evaluated 2023-07-31.

Conditions:
Inborn genetic diseases. Identifiers: MedGen C0950123, MeSH D030342.
Neuropathy, hereditary sensory and autonomic, type 2A (HSAN2A). Also called: ACROOSTEOLYSIS, GIACCAI TYPE; ACROOSTEOLYSIS, NEUROGENIC; MORVAN DISEASE; NEUROPATHY, CONGENITAL SENSORY; NEUROPATHY, HEREDITARY SENSORY RADICULAR, AUTOSOMAL RECESSIVE; NEUROPATHY, HEREDITARY SENSORY, TYPE IIA. Identifiers: Orphanet 970, MedGen C2752089, MONDO:0024309, OMIM 201300.
Pseudohypoaldosteronism type 2C (PHA2C). Also called: Pseudohypoaldosteronism Type IIC. Identifiers: Orphanet 757, Orphanet 88940, MedGen C1840391, MONDO:0013778, OMIM 614492.

Allele frequency attached by ClinVar (database versions not stated): TOPMed below 0.00001; gnomAD 0.00001 and 0.00004; gnomAD exomes 0.00004 and 0.00008; ExAC 0.00009.
gnomAD v4.1: 67 of 1,614,040 alleles (0.0042%); highest among the groups gnomAD compares: South Asian, 0.067%; 2 homozygotes.

Submissions (3):

Ambry Genetics
Classification: Likely benign for Inborn genetic diseases. Last evaluated: 2023-07-31. Review status: criteria provided, single submitter. Criteria: Ambry Variant Classification Scheme 2023. Collection method: clinical testing. Allele origin: germline.

Labcorp Genetics (formerly Invitae), Labcorp
Classification: Benign for Neuropathy, hereditary sensory and autonomic, type 2A; Pseudohypoaldosteronism type 2C. Last evaluated: 2021-12-18. Review status: criteria provided, single submitter. Criteria: Invitae Variant Classification Sherloc (09022015). Collection method: clinical testing. Allele origin: germline.

Illumina Laboratory Services, Illumina
Classification: Benign for Pseudohypoaldosteronism type 2C. Last evaluated: 2018-01-13. Review status: criteria provided, single submitter. Criteria: ICSL Variant Classification Criteria 13 December 2019. Collection method: clinical testing. Allele origin: germline.
Comment: This variant was observed in the ICSL laboratory as part of a predisposition screen in an ostensibly healthy population. It had not been previously curated by ICSL or reported in the Human Gene Mutation Database (HGMD: prior to June 1st, 2018), and was therefore a candidate for classification through an automated scoring system. Utilizing variant allele frequency, disease prevalence and penetrance estimates, and inheritance mode, an automated score was calculated to assess if this variant is too frequent to cause the disease. Based on the score and internal cut-off values, a variant classified as benign is not then subjected to further curation. The score for this variant resulted in a classification of benign for this disease.